The following is an entry in ClinVar:

NM_004415.4(DSP):c.3704T>C (p.Leu1235Pro)

Gene: DSP (desmoplakin; plus strand). Cytogenetic location: 6p24.3.
Variant type: single nucleotide variant.
Coding change: c.3704T>C on transcript NM_004415.4 (MANE Select); coding-DNA position 3704, T replaced by C.
Protein change: p.Leu1235Pro; replaces leucine 1235 with proline.
Molecular consequence: missense variant. On other transcripts: intron variant (1).
Genome position (GRCh38, 1-based): chr6:7,579,894, T>C. VCF-style: chr6-7579894-T-C. GRCh37 (hg19) VCF-style: chr6-7580127-T-C.
Other names: c.3704T>C, p.Leu1235Pro (NM_001319034.2); c.3582+122T>C (NM_001008844.3); short protein forms L1235P.
Identifiers: ClinVar variation 1171165 (VCV001171165.4), dbSNP rs1356943828, ClinGen allele CA362684676.

ClinVar aggregate classification (germline): Uncertain significance. Review status: criteria provided, multiple submitters, no conflicts (2 of 4 stars). 2 submissions from 2 submitters: Uncertain significance (2). Last evaluated 2026-02-24.

Conditions:
Cardiomyopathy (CMYO). Also called: Cardiomyopathies. Identifiers: Orphanet 167848, MedGen C0878544, MONDO:0004994, HP:0001638. Inheritance: Various modes of inheritance.

Allele frequency attached by ClinVar (database versions not stated): gnomAD exomes below 0.00001.
gnomAD v4.1: 3 of 1,614,106 alleles (0.00019%); highest among the groups gnomAD compares: Non-Finnish European, 0.00025%; no homozygotes.

Submissions (2):

GeneDx
Classification: Uncertain significance. Last evaluated: 2026-02-24. Review status: criteria provided, single submitter. Criteria: GeneDx Variant Classification Process June 2021. Collection method: clinical testing. Allele origin: germline.
Comment: Not observed at significant frequency in large population cohorts (gnomAD); In silico analysis supports that this missense variant has a deleterious effect on protein structure/function; Has not been previously published as pathogenic or benign to our knowledge

Color Diagnostics, LLC DBA Color Health
Classification: Uncertain significance for Cardiomyopathy. Last evaluated: 2024-03-06. Review status: criteria provided, single submitter. Criteria: ACMG Guidelines, 2015. Collection method: clinical testing. Allele origin: germline.
Comment: This missense variant replaces leucine with proline at codon 1235 of the DSP protein. Computational prediction is inconclusive regarding the impact of this variant on protein structure and function (internally defined REVEL score threshold 0.5 < inconclusive < 0.7, PMID: 27666373). To our knowledge, functional studies have not been reported for this variant. This variant has not been reported in individuals affected with cardiovascular disorders in the literature. This variant has been identified in 1/250724 chromosomes in the general population by the Genome Aggregation Database (gnomAD). The available evidence is insufficient to determine the role of this variant in disease conclusively. Therefore, this variant is classified as a Variant of Uncertain Significance.